The following is an entry in ClinVar:

ClinVar aggregate classification (germline): Uncertain significance (1 of 4 stars; one submission).

Conditions:
Emery-Dreifuss muscular dystrophy (EDMD). Also called: Scapuloperoneal syndrome, X-linked (formerly); Humeroperoneal neuromuscular disease, (formerly). Identifiers: Orphanet 261, MedGen C0410189, MONDO:0016830.

Allele frequency attached by ClinVar (database versions not stated): ExAC 0.00001; gnomAD 0.00001.
gnomAD v4.1: 2 of 1,586,746 alleles (0.00013%); highest among the groups gnomAD compares: African/African-American, 0.0013%; no homozygotes.

Submission:

Labcorp Genetics (formerly Invitae), Labcorp
Classification: Uncertain significance for Emery-Dreifuss muscular dystrophy. Last evaluated: 2022-01-22. Review status: criteria provided, single submitter. Criteria: Invitae Variant Classification Sherloc (09022015). Collection method: clinical testing. Allele origin: germline.
Comment: In summary, the available evidence is currently insufficient to determine the role of this variant in disease. Therefore, it has been classified as a Variant of Uncertain Significance. Algorithms developed to predict the effect of missense changes on protein structure and function output the following: SIFT: "Tolerated"; PolyPhen-2: "Benign"; Align-GVGD: "Class C0". The histidine amino acid residue is found in multiple mammalian species, which suggests that this missense change does not adversely affect protein function. This variant has not been reported in the literature in individuals affected with SUN1-related conditions. The frequency data for this variant in the population databases is considered unreliable, as metrics indicate poor data quality at this position in the gnomAD database. This sequence change replaces glutamine, which is neutral and polar, with histidine, which is basic and polar, at codon 470 of the SUN1 protein (p.Gln470His).

NM_001130965.3(SUN1):c.1410G>C (p.Gln470His)

Gene: SUN1 (Sad1 and UNC84 domain containing 1; plus strand). Cytogenetic location: 7p22.3.
Variant type: single nucleotide variant.
Coding change: c.1410G>C on transcript NM_001130965.3 (MANE Select); coding-DNA position 1410, G replaced by C.
Protein change: p.Gln470His; replaces glutamine 470 with histidine.
Molecular consequence: missense variant. On other transcripts: non-coding transcript variant (3).
Genome position (GRCh38, 1-based): chr7:857,843, G>C. VCF-style: chr7-857843-G-C. GRCh37 (hg19) VCF-style: chr7-897480-G-C.
Other names: c.1101G>C, p.Gln367His (NM_001171944.2); c.1410G>C, p.Gln470His (NM_001367633.1, NM_001367634.1, NM_001367653.1); c.1059G>C, p.Gln353His (NM_001367635.1); c.1650G>C, p.Gln550His (NM_001367636.1, NM_001367691.1); c.1518G>C, p.Gln506His (NM_001367638.1); c.951G>C, p.Gln317His (NM_001367639.1); c.1590G>C, p.Gln530His (NM_001367640.1); c.1692G>C, p.Gln564His (NM_001367641.1, NM_001367682.1); and 43 more; short protein forms Q367H, Q409H, Q414H, Q424H, Q470H, Q474H, Q485H, Q498H.
Identifiers: ClinVar variation 2156775 (VCV002156775.4), dbSNP rs752103766, ClinGen allele CA4112231.
Genomic context (GRCh38, chr7:857,843, plus strand): 5'-GGCTGGGAGGCTTGTGTGTGACCCATTCTCACTGTTGGATTCCAGTGCGGTTGGTGAGCA[G>C]CTCCTGCCCACAGTCGAGCACCTCCAGCTGGAGCTGGATCAGCTAAAGTCAGAGCTGTCC-3'
Protein context (NP_001124437.1, residues 460-480): KQKTISAVGE[Gln470His]LLPTVEHLQL